The following is an entry in ClinVar:

ClinVar aggregate classification (germline): Uncertain significance (1 of 4 stars; one submission).

Conditions:
Hereditary cancer-predisposing syndrome. Also called: Neoplastic Syndromes, Hereditary; Hereditary Cancer Syndrome; Tumor predisposition; Hereditary neoplastic syndrome. Identifiers: Orphanet 140162, MedGen C0027672, MeSH D009386, MONDO:0015356.

Submission:

Ambry Genetics
Classification: Uncertain significance for Hereditary cancer-predisposing syndrome. Last evaluated: 2024-12-18. Review status: criteria provided, single submitter. Criteria: Ambry Variant Classification Scheme 2023. Collection method: clinical testing. Allele origin: germline.
Comment: The p.T841S variant (also known as c.2521A>T) is located in coding exon 25 of the RB1 gene. The threonine at codon 841 is replaced by serine, an amino acid with similar properties. This change occurs in the first base pair of coding exon 25. This amino acid position is conserved. In addition, this alteration is predicted to be tolerated by in silico analysis. Based on the available evidence, the clinical significance of this variant remains unclear.

NM_000321.3(RB1):c.2521A>T (p.Thr841Ser)

Gene: RB1 (RB transcriptional corepressor 1; plus strand). Cytogenetic location: 13q14.2.
Variant type: single nucleotide variant.
Coding change: c.2521A>T on transcript NM_000321.3 (MANE Select); coding-DNA position 2521, A replaced by T.
Protein change: p.Thr841Ser; replaces threonine 841 with serine.
Molecular consequence: missense variant. On other transcripts: 5 prime UTR variant (1).
Genome position (GRCh38, 1-based): chr13:48,476,701, A>T. VCF-style: chr13-48476701-A-T. GRCh37 (hg19) VCF-style: chr13-49050837-A-T.
Other names: c.2521A>T, p.Thr841Ser (NM_001407165.1); c.-30A>T (NM_001407168.1); short protein forms T841S.
Identifiers: ClinVar variation 3787269 (VCV003787269.1).